The following is an entry in ClinVar:

NM_133497.4(KCNV2):c.180C>T (p.Asp60=)

Gene: KCNV2 (potassium voltage-gated channel modifier subfamily V member 2; plus strand). Cytogenetic location: 9p24.2.
Variant type: single nucleotide variant.
Coding change: c.180C>T on transcript NM_133497.4 (MANE Select); coding-DNA position 180, C replaced by T.
Protein change: p.Asp60=; no amino-acid change (aspartic acid 60 retained).
Molecular consequence: synonymous variant.
Genome position (GRCh38, 1-based): chr9:2,717,919, C>T. VCF-style: chr9-2717919-C-T. GRCh37 (hg19) VCF-style: chr9-2717919-C-T.
Identifiers: ClinVar variation 913793 (VCV000913793.13), dbSNP rs1403529555, ClinGen allele CA463853443.

ClinVar aggregate classification (germline): Conflicting classifications of pathogenicity. Review status: criteria provided, conflicting classifications (1 of 4 stars). 4 submissions from 4 submitters: Uncertain significance (1); Likely benign (3). Last evaluated 2026-01-05.

Conditions:
Cone dystrophy with supernormal rod response (CDSRR). Also called: CONE DYSTROPHY WITH SUPERNORMAL ROD RESPONSES. Identifiers: Orphanet 209932, MedGen C1835897, MONDO:0012475, OMIM 610356.
KCNV2-related disorder. Also called: KCNV2-related condition.

Allele frequency attached by ClinVar (database versions not stated): gnomAD exomes 0.00002 and 0.00005; gnomAD 0.00003 and 0.00004; TOPMed 0.00006.
gnomAD v4.1: 81 of 1,614,024 alleles (0.005%); highest among the groups gnomAD compares: Non-Finnish European, 0.0063%; no homozygotes.

Submissions (4):

PreventionGenetics, part of Exact Sciences
Classification: Likely benign for KCNV2-related condition. Last evaluated: 2026-01-05. Review status: criteria provided, single submitter. Criteria: ACMG Guidelines, 2015. Collection method: clinical testing. Allele origin: germline.
Comment: This variant is classified as likely benign based on ACMG/AMP sequence variant interpretation guidelines (Richards et al. 2015 PMID: 25741868, with internal and published modifications).

Labcorp Genetics (formerly Invitae), Labcorp
Classification: Likely benign. Last evaluated: 2024-09-14. Review status: criteria provided, single submitter. Criteria: Invitae Variant Classification Sherloc (09022015). Collection method: clinical testing. Allele origin: germline.

Blueprint Genetics
Classification: Likely benign. Last evaluated: 2024-08-02. Review status: criteria provided, single submitter. Criteria: ACMG Guidelines, 2015. Collection method: clinical testing. Allele origin: germline.

Illumina Laboratory Services, Illumina
Classification: Uncertain significance for Cone dystrophy with supernormal rod response. Last evaluated: 2018-01-12. Review status: criteria provided, single submitter. Criteria: ICSL Variant Classification Criteria 13 December 2019. Collection method: clinical testing. Allele origin: germline.